The following is an entry in ClinVar:

ClinVar aggregate classification (germline): Conflicting classifications of pathogenicity. Review status: criteria provided, conflicting classifications (1 of 4 stars). 4 submissions from 4 submitters: Uncertain significance (2); Likely benign (1). 1 of the submissions does not count toward it. Last evaluated 2025-09-16.

Conditions:
PKHD1-related disorder. Also called: PKHD1-related condition.
Autosomal recessive polycystic kidney disease (ARPKD). Also called: AR polycystic kidney disease. Identifiers: Orphanet 731, Orphanet 8378, MedGen C0085548, MeSH D017044, MONDO:0009889.

Allele frequency attached by ClinVar (database versions not stated): gnomAD exomes 0.00002 and 0.00003; ExAC 0.00006; gnomAD 0.00011; TOPMed 0.00011; 1000 Genomes Project 30x 0.00031; 1000 Genomes Project 0.00040.
gnomAD v4.1: 50 of 1,614,114 alleles (0.0031%); highest among the groups gnomAD compares: Admixed American, 0.033%; no homozygotes.

Submissions (4):

Labcorp Genetics (formerly Invitae), Labcorp
Classification: Likely benign for Autosomal recessive polycystic kidney disease. Last evaluated: 2025-09-16. Review status: criteria provided, single submitter. Criteria: Invitae Variant Classification Sherloc (09022015). Collection method: clinical testing. Allele origin: germline.

Illumina Laboratory Services, Illumina
Classification: Uncertain significance for Polycystic kidney disease 4. Last evaluated: 2018-01-13. Review status: criteria provided, single submitter. Criteria: ICSL Variant Classification Criteria 13 December 2019. Collection method: clinical testing. Allele origin: germline.

Eurofins Ntd Llc (ga)
Classification: Uncertain significance. Last evaluated: 2016-06-08. Review status: criteria provided, single submitter. Criteria: EGL Classification Definitions 2015. Collection method: clinical testing. Allele origin: germline. Observed: 2 variant alleles, 2 heterozygotes.

PreventionGenetics, part of Exact Sciences
Classification: Likely benign for PKHD1-related condition. Last evaluated: 2024-09-28. Review status: no assertion criteria provided. Collection method: clinical testing. Allele origin: germline. Not counted in ClinVar's aggregate classification.
Comment: This variant is classified as likely benign based on ACMG/AMP sequence variant interpretation guidelines (Richards et al. 2015 PMID: 25741868, with internal and published modifications).

NM_138694.4(PKHD1):c.1974C>T (p.Phe658=)

Gene: PKHD1 (PKHD1 ciliary IPT domain containing fibrocystin/polyductin; minus strand). Cytogenetic location: 6p12.2.
Variant type: single nucleotide variant.
Coding change: c.1974C>T on transcript NM_138694.4 (MANE Select); coding-DNA position 1974, C replaced by T.
Protein change: p.Phe658=; no amino-acid change (phenylalanine 658 retained).
Molecular consequence: synonymous variant.
Genome position (GRCh38, 1-based): chr6:52,053,242, G>A on the plus strand (C>T on the coding strand, the complement: PKHD1 is on the minus strand). VCF-style: chr6-52053242-G-A. GRCh37 (hg19) VCF-style: chr6-51918040-G-A.
Other names: c.1974C>T, p.Phe658= (NM_170724.3).
Identifiers: ClinVar variation 288693 (VCV000288693.19), dbSNP rs199635188, ClinGen allele CA3853363.